The following is an entry in ClinVar:

ClinVar aggregate classification (germline): Likely pathogenic. Review status: criteria provided, multiple submitters, no conflicts (2 of 4 stars). 2 submissions from 2 submitters: Likely pathogenic (2). Last evaluated 2021-11-02.

Conditions:
Cardiovascular phenotype. Identifiers: MedGen CN230736.

Submissions (2):

Ambry Genetics
Classification: Likely pathogenic for Cardiovascular phenotype. Last evaluated: 2021-11-02. Review status: criteria provided, single submitter. Criteria: Ambry Variant Classification Scheme 2023. Collection method: clinical testing. Allele origin: germline.
Comment: The c.22939_22942dupGTCA variant, located in coding exon 93 of the TTN gene, results from a duplication of GTCA at nucleotide position 22939, causing a translational frameshift with a predicted alternate stop codon (p.T7648Sfs*6). This exon is located in the A-band region of the N2-B isoform of the titin protein and is constitutively expressed in TTN transcripts (percent spliced in or PSI 100%). This variant is considered to be rare based on population cohorts in the Genome Aggregation Database (gnomAD). This alteration is expected to result in loss of function by premature protein truncation or nonsense-mediated mRNA decay. While truncating variants in TTN are present in 1-3% of the general population, truncating variants in the A-band are the most common cause of dilated cardiomyopathy (DCM) (Herman DS et al. N. Engl. J. Med., 2012 Feb;366:619-28; Roberts AM et al. Sci Transl Med, 2015 Jan;7:270ra6). TTN truncating variants encoded in constitutive exons (PSI >90%) have been found to be significantly associated with DCM regardless of their position in titin (Schafer S et al. Nat. Genet., 2017 01;49:46-53). As such, this alteration is classified as likely pathogenic.

GeneDx
Classification: Likely pathogenic. Last evaluated: 2018-03-02. Review status: criteria provided, single submitter. Criteria: GeneDx Variant Classification (06012015). Collection method: clinical testing. Allele origin: germline. Affected: yes.
Comment: The c.45211_45214dupGTCA likely pathogenic variant in the TTN gene has been identified in an individual referred for cardiomyopathy genetic testing at GeneDx (Wolf et al., 2016). This variant has not been observed in large population cohorts (Lek et al., 2016). The c.45211_45214dupGTCA variant causes a shift in reading frame starting at codon Threonine 15072, changing it to a Serine, and creating a premature stop codon at position 6 of the new reading frame, denoted p.Thr15072SerfsX6. This variant is expected to result in either an abnormal, truncated protein product or loss of protein from this allele through nonsense-mediated mRNA decay. Other truncating TTN variants have been reported in approximately 3% of control alleles (Herman et al., 2012). However, c.45211_45214dupGTCA is located in the A-band region of titin, where the majority of truncating pathogenic variants associated with DCM have been reported (Herman et al., 2012). Nevertheless, the c.45211_45214dupGTCA variant lacks observation in a significant number of affected individuals, segregation data, and functional evidence, which would further clarify its pathogenicity.

NM_001267550.2(TTN):c.50134_50137dup (p.Thr16713fs)

Genes: TTN (titin; minus strand), TTN-AS1 (TTN antisense RNA 1; plus strand). Cytogenetic location: 2q31.2.
Variant type: Duplication.
Coding change: c.50134_50137dup on transcript NM_001267550.2 (MANE Select); coding-DNA positions 50134 to 50137, 4 bases duplicated (GTCA; older notation c.50134_50137dupGTCA).
Protein change: p.Thr16713fs; shifts the reading frame from threonine 16713.
Molecular consequence: frameshift variant.
Genome position (GRCh38, 1-based): chr2:178,612,388-178,612,391, TGAC duplicated on the plus strand (GTCA on the coding strand, the reverse complement: TTN is on the minus strand); duplicating any 4 consecutive bases within chr2:178,612,388-178,612,393 gives the same sequence; the c. name uses the placement nearest the transcript's 3' end. VCF-style (leftmost placement, unchanged base first): chr2-178612387-G-GTGAC. GRCh37 (hg19) VCF-style: chr2-179477114-G-GTGAC.
Other names: c.45211_45214dup, p.Thr15072fs (NM_001256850.1); c.22939_22942dup, p.Thr7648fs (NM_003319.4); c.42430_42433dup, p.Thr14145fs (NM_133378.4); c.23314_23317dup, p.Thr7773fs (NM_133432.3); c.23515_23518dup, p.Thr7840fs (NM_133437.4); c.45211_45214dupGTCA (NM_001256850.1); c.22939_22942dupGTCA (NM_003319.4); short protein forms T7648fs, T7773fs, T14145fs, T16713fs, T15072fs, T7840fs.
Identifiers: ClinVar variation 202448 (VCV000202448.4), dbSNP rs794729321, ClinGen allele CA309408.
Genomic context (GRCh38, chr2:178,612,387, plus strand): 5'-TGTCCTATAGCATTTTCTGCAGCAACTCGGAACACATATAAAGAGCCCTCAGTCAGTGGG[G>GTGAC]TGACTGTGCACTTGGTGTCCTTGACAGTGGTATCCACTGTTTGCCAGCCTTTTCGCCTGA-3'